The following is an entry in ClinVar:

ClinVar aggregate classification (germline): Uncertain significance (1 of 4 stars; one submission).

Allele frequency attached by ClinVar (database versions not stated): gnomAD exomes below 0.00001.
gnomAD v4.1: 2 of 1,207,092 alleles (0.00017%); highest among the groups gnomAD compares: Non-Finnish European, 0.00022%; no homozygotes.

Submission:

GeneDx
Classification: Uncertain significance. Last evaluated: 2023-02-21. Review status: criteria provided, single submitter. Criteria: GeneDx Variant Classification Process June 2021. Collection method: clinical testing. Allele origin: germline. Affected: yes.
Comment: Not observed at significant frequency in large population cohorts (gnomAD); In silico analysis supports that this missense variant does not alter protein structure/function; Has not been previously published as pathogenic or benign to our knowledge

NM_078629.4(MSL3):c.1237G>A (p.Val413Met)

Gene: MSL3 (MSL complex subunit 3; plus strand). Cytogenetic location: Xp22.2.
Variant type: single nucleotide variant.
Coding change: c.1237G>A on transcript NM_078629.4 (MANE Select); coding-DNA position 1237, G replaced by A.
Protein change: p.Val413Met; replaces valine 413 with methionine.
Molecular consequence: missense variant.
Genome position (GRCh38, 1-based): chrX:11,768,638, G>A. VCF-style: chrX-11768638-G-A. GRCh37 (hg19) VCF-style: chrX-11786757-G-A.
Other names: c.1201G>A, p.Val401Met (NM_001193270.2); c.790G>A, p.Val264Met (NM_001282174.1); c.739G>A, p.Val247Met (NM_006800.4); short protein forms V247M, V264M, V401M, V413M.
Identifiers: ClinVar variation 2576920 (VCV002576920.1), dbSNP rs2518431879, ClinGen allele CA412066665.